The following is an entry in ClinVar:

NM_001394372.1(BICRA):c.1959A>C (p.Pro653=)

Gene: BICRA (BRD4 interacting chromatin remodeling complex associated protein; plus strand). Cytogenetic location: 19q13.33.
Variant type: single nucleotide variant.
Coding change: c.1959A>C on transcript NM_001394372.1 (MANE Select); coding-DNA position 1959, A replaced by C.
Protein change: p.Pro653=; no amino-acid change (proline 653 retained).
Molecular consequence: synonymous variant.
Genome position (GRCh38, 1-based): chr19:47,681,129, A>C. VCF-style: chr19-47681129-A-C. GRCh37 (hg19) VCF-style: chr19-48184386-A-C.
Other names: c.1959A>C, p.Pro653= (NM_015711.3).
Identifiers: ClinVar variation 2650168 (VCV002650168.25), dbSNP rs1272457441, ClinGen allele CA508258085.

ClinVar aggregate classification (germline): Likely benign. Review status: criteria provided, multiple submitters, no conflicts (2 of 4 stars). 2 submissions from 2 submitters: Likely benign (2). Last evaluated 2024-08-26.

Submissions (2):

Blueprint Genetics
Classification: Likely benign. Last evaluated: 2024-08-26. Review status: criteria provided, single submitter. Criteria: ACMG Guidelines, 2015. Collection method: clinical testing. Allele origin: germline.

CeGaT Center for Human Genetics Tuebingen
Classification: Likely benign. Last evaluated: 2023-05-01. Review status: criteria provided, single submitter. Criteria: CeGaT Center For Human Genetics Tuebingen Variant Classification Criteria Version 2. Collection method: clinical testing. Allele origin: germline. Affected: yes. Observed: 3 variant alleles.
Comment: BICRA: BP4, BP7